The following is an entry in ClinVar:

ClinVar aggregate classification (germline): Pathogenic. Review status: criteria provided, multiple submitters, no conflicts (2 of 4 stars). 2 submissions from 2 submitters: Pathogenic (2). Last evaluated 2025-04-02.

Conditions:
Cardiovascular phenotype. Identifiers: MedGen CN230736.
Hereditary cancer-predisposing syndrome. Also called: Neoplastic Syndromes, Hereditary; Tumor predisposition; Hereditary Cancer Syndrome; Hereditary neoplastic syndrome. Identifiers: Orphanet 140162, MedGen C0027672, MeSH D009386, MONDO:0015356.
Neurofibromatosis, type 1 (NF1). Also called: VON RECKLINGHAUSEN DISEASE; NEUROFIBROMATOSIS, TYPE I, SOMATIC; Neurofibromatosis, type I; Peripheral type neurofibromatosis. Identifiers: Orphanet 636, MedGen C0027831, MONDO:0018975, OMIM 162200. Disease mechanism: loss of function.

Submissions (2):

Labcorp Genetics (formerly Invitae), Labcorp
Classification: Pathogenic for Neurofibromatosis, type 1. Last evaluated: 2025-04-02. Review status: criteria provided, single submitter. Criteria: Invitae Variant Classification Sherloc (09022015). Collection method: clinical testing. Allele origin: germline.
Comment: This sequence change creates a premature translational stop signal (p.Tyr1292*) in the NF1 gene. It is expected to result in an absent or disrupted protein product. Loss-of-function variants in NF1 are known to be pathogenic (PMID: 10712197, 23913538). This variant is not present in population databases (gnomAD no frequency). This premature translational stop signal has been observed in individual(s) with neurofibromatosis, type 1 (PMID: 31776437). ClinVar contains an entry for this variant (Variation ID: 1735755). For these reasons, this variant has been classified as Pathogenic.

Ambry Genetics
Classification: Pathogenic for Cardiovascular phenotype; Hereditary cancer-predisposing syndrome. Last evaluated: 2022-07-15. Review status: criteria provided, single submitter. Criteria: Ambry Variant Classification Scheme 2023. Collection method: clinical testing. Allele origin: germline.
Comment: The p.Y1292* variant (also known as c.3876T>A), located in coding exon 29 of the NF1 gene, results from a T to A substitution at nucleotide position 3876. This changes the amino acid from a tyrosine to a stop codon within coding exon 29. This variant is considered to be rare based on population cohorts in the Genome Aggregation Database (gnomAD). This alteration is expected to result in loss of function by premature protein truncation or nonsense-mediated mRNA decay. As such, this alteration is interpreted as a disease-causing mutation.

Literature cited by the submitters: PubMed 10712197 (cited by Labcorp Genetics (formerly Invitae), Labcorp); PubMed 23913538 (cited by Labcorp Genetics (formerly Invitae), Labcorp); PubMed 31776437 (cited by Labcorp Genetics (formerly Invitae), Labcorp).

NM_001042492.3(NF1):c.3876T>A (p.Tyr1292Ter)

Gene: NF1 (neurofibromin 1; plus strand). Cytogenetic location: 17q11.2.
Variant type: single nucleotide variant.
Coding change: c.3876T>A on transcript NM_001042492.3 (MANE Select); coding-DNA position 3876, T replaced by A.
Protein change: p.Tyr1292Ter; replaces tyrosine 1292 with a stop codon.
Molecular consequence: nonsense.
Genome position (GRCh38, 1-based): chr17:31,235,923, T>A. VCF-style: chr17-31235923-T-A. GRCh37 (hg19) VCF-style: chr17-29562941-T-A.
Other names: c.3876T>A, p.Tyr1292Ter (NM_000267.4); short protein forms Y1292*.
Identifiers: ClinVar variation 1735755 (VCV001735755.3), dbSNP rs2067193414, ClinGen allele CA398992999.